The following is an entry in ClinVar:

NM_003482.4(KMT2D):c.8540G>A (p.Arg2847His)

Gene: KMT2D (lysine methyltransferase 2D; minus strand). Cytogenetic location: 12q13.12.
Variant type: single nucleotide variant.
Coding change: c.8540G>A on transcript NM_003482.4 (MANE Select); coding-DNA position 8540, G replaced by A.
Protein change: p.Arg2847His; replaces arginine 2847 with histidine.
Molecular consequence: missense variant.
Genome position (GRCh38, 1-based): chr12:49,038,816, C>T on the plus strand (G>A on the coding strand, the complement: KMT2D is on the minus strand). VCF-style: chr12-49038816-C-T. GRCh37 (hg19) VCF-style: chr12-49432599-C-T.
Other names: short protein forms R2847H.
Identifiers: ClinVar variation 2717555 (VCV002717555.3), dbSNP rs776779364, ClinGen allele CA6546827.

ClinVar aggregate classification (germline): Uncertain significance (1 of 4 stars; one submission).

Conditions:
Kabuki syndrome. Also called: NIIKAWA-KUROKI SYNDROME; Kabuki make-up syndrome. Identifiers: Orphanet 2322, MedGen C0796004, MONDO:0016512.

Allele frequency attached by ClinVar (database versions not stated): gnomAD exomes 0.00001; gnomAD 0.00002; TOPMed 0.00002.
gnomAD v4.1: 19 of 1,566,228 alleles (0.0012%); highest among the groups gnomAD compares: African/African-American, 0.0041%; no homozygotes.

Submission:

Labcorp Genetics (formerly Invitae), Labcorp
Classification: Uncertain significance for Kabuki syndrome. Last evaluated: 2025-10-02. Review status: criteria provided, single submitter. Criteria: Invitae Variant Classification Sherloc (09022015). Collection method: clinical testing. Allele origin: germline.
Comment: This sequence change replaces arginine, which is basic and polar, with histidine, which is basic and polar, at codon 2847 of the KMT2D protein (p.Arg2847His). The frequency data for this variant in the population databases is considered unreliable, as metrics indicate poor data quality at this position in the gnomAD database. This variant has not been reported in the literature in individuals affected with KMT2D-related conditions. ClinVar contains an entry for this variant (Variation ID: 2717555). Invitae Evidence Modeling of protein sequence and biophysical properties (such as structural, functional, and spatial information, amino acid conservation, physicochemical variation, residue mobility, and thermodynamic stability) indicates that this missense variant is not expected to disrupt KMT2D protein function with a negative predictive value of 95%. In summary, the available evidence is currently insufficient to determine the role of this variant in disease. Therefore, it has been classified as a Variant of Uncertain Significance.